The following is an entry in ClinVar:

NM_000143.4(FH):c.807C>A (p.Ile269=)

Gene: FH (fumarate hydratase; minus strand). Cytogenetic location: 1q43.
Variant type: single nucleotide variant.
Coding change: c.807C>A on transcript NM_000143.4 (MANE Select); coding-DNA position 807, C replaced by A.
Protein change: p.Ile269=; no amino-acid change (isoleucine 269 retained).
Molecular consequence: synonymous variant.
Genome position (GRCh38, 1-based): chr1:241,506,100, G>T on the plus strand (C>A on the coding strand, the complement: FH is on the minus strand). VCF-style: chr1-241506100-G-T. GRCh37 (hg19) VCF-style: chr1-241669400-G-T.
Other names: c.807C>A (NM_000143.3).
Identifiers: ClinVar variation 1647040 (VCV001647040.10), dbSNP rs2147917660, ClinGen allele CA424075948.

ClinVar aggregate classification (germline): Benign/Likely benign. Review status: criteria provided, multiple submitters, no conflicts (2 of 4 stars). 3 submissions from 3 submitters: Benign (1); Likely benign (2). Last evaluated 2025-12-20.

Conditions:
Hereditary cancer-predisposing syndrome. Also called: Neoplastic Syndromes, Hereditary; Tumor predisposition; Hereditary Cancer Syndrome; Hereditary neoplastic syndrome. Identifiers: Orphanet 140162, MedGen C0027672, MeSH D009386, MONDO:0015356.
Hereditary leiomyomatosis and renal cell cancer. Also called: MULTIPLE CUTANEOUS AND UTERINE LEIOMYOMATA 1, WITH OR WITHOUT RENAL CELL CARCINOMA; LEIOMYOMA, MULTIPLE CUTANEOUS; Reed syndrome; Multiple cutaneous and uterine leiomyomatosis; Cutaneous leiomyomata with uterine leiomyomata; Leiomyoma, hereditary multiple, of skin. Identifiers: Orphanet 523, MedGen C1708350, MONDO:0007888, OMIM 150800, HP:0007437. Disease mechanism: loss of function.

Submissions (3):

Labcorp Genetics (formerly Invitae), Labcorp
Classification: Likely benign. Last evaluated: 2025-12-20. Review status: criteria provided, single submitter. Criteria: Invitae Variant Classification Sherloc (09022015). Collection method: clinical testing. Allele origin: germline.

Myriad Genetics, Inc.
Classification: Benign for Hereditary leiomyomatosis and renal cell cancer. Last evaluated: 2024-10-18. Review status: criteria provided, single submitter. Criteria: Myriad Autosomal Dominant, Autosomal Recessive and X-Linked Classification Criteria (2023). Collection method: clinical testing. Allele origin: unknown.
Comment: This variant is considered benign. This variant is a silent/synonymous amino acid change and it is not expected to impact splicing.

Ambry Genetics
Classification: Likely benign for Hereditary cancer-predisposing syndrome. Last evaluated: 2024-05-05. Review status: criteria provided, single submitter. Criteria: Ambry Variant Classification Scheme 2023. Collection method: clinical testing. Allele origin: germline.